The following is an entry in ClinVar:

NM_138393.4(REEP6):c.7G>A (p.Gly3Ser)

Genes: REEP6 (receptor accessory protein 6; plus strand), LOC130062962 (ATAC-STARR-seq lymphoblastoid silent region 9723; plus strand). Cytogenetic location: 19p13.3.
Variant type: single nucleotide variant.
Coding change: c.7G>A on transcript NM_138393.4 (MANE Select); coding-DNA position 7, G replaced by A.
Protein change: p.Gly3Ser; replaces glycine 3 with serine.
Molecular consequence: missense variant.
Genome position (GRCh38, 1-based): chr19:1,491,276, G>A. VCF-style: chr19-1491276-G-A. GRCh37 (hg19) VCF-style: chr19-1491275-G-A.
Other names: c.7G>A, p.Gly3Ser (NM_001329556.3); short protein forms G3S.
Identifiers: ClinVar variation 1017464 (VCV001017464.11), dbSNP rs1314788573, ClinGen allele CA403055591.

ClinVar aggregate classification (germline): Uncertain significance (1 of 4 stars; one submission).

Allele frequency attached by ClinVar (database versions not stated): TOPMed 0.00001.

Submission:

Labcorp Genetics (formerly Invitae), Labcorp
Classification: Uncertain significance. Last evaluated: 2024-03-04. Review status: criteria provided, single submitter. Criteria: Invitae Variant Classification Sherloc (09022015). Collection method: clinical testing. Allele origin: germline.
Comment: This sequence change replaces glycine, which is neutral and non-polar, with serine, which is neutral and polar, at codon 3 of the REEP6 protein (p.Gly3Ser). This variant is not present in population databases (gnomAD no frequency). This variant has not been reported in the literature in individuals affected with REEP6-related conditions. ClinVar contains an entry for this variant (Variation ID: 1017464). Experimental studies and prediction algorithms are not available or were not evaluated, and the functional significance of this variant is currently unknown. In summary, the available evidence is currently insufficient to determine the role of this variant in disease. Therefore, it has been classified as a Variant of Uncertain Significance.